The following is an entry in ClinVar:

ClinVar aggregate classification (germline): Uncertain significance. Review status: criteria provided, multiple submitters, no conflicts (2 of 4 stars). 2 submissions from 2 submitters: Uncertain significance (2). Last evaluated 2026-01-01.

Conditions:
Classic or attenuated familial adenomatous polyposis. Identifiers: MedGen CN372698, MONDO:0021057.
Hereditary cancer-predisposing syndrome. Also called: Hereditary Cancer Syndrome; Neoplastic Syndromes, Hereditary; Tumor predisposition; Hereditary neoplastic syndrome. Identifiers: Orphanet 140162, MedGen C0027672, MeSH D009386, MONDO:0015356.

gnomAD v4.1: 1 of 1,613,252 alleles (0.000062%); highest among the groups gnomAD compares: Non-Finnish European, 0.000085%; no homozygotes.

Submissions (2):

Ambry Genetics
Classification: Uncertain significance for Hereditary cancer-predisposing syndrome. Last evaluated: 2026-01-01. Review status: criteria provided, single submitter. Criteria: Ambry Variant Classification Scheme 2023. Collection method: clinical testing. Allele origin: germline.
Comment: The p.G524V variant (also known as c.1571G>T), located in coding exon 12 of the APC gene, results from a G to T substitution at nucleotide position 1571. The glycine at codon 524 is replaced by valine, an amino acid with dissimilar properties. This amino acid position is conserved. In addition, in silico predictors for this gene do not accurately predict pathogenicity. Based on the available evidence, the clinical significance of this variant remains unclear.

Department of Pathology and Laboratory Medicine, Sinai Health System
Classification: Uncertain significance for classic or attenuated familial adenomatous polyposis. Last evaluated: 2021-08-18. Review status: criteria provided, single submitter. Criteria: ACMG Guidelines, 2015. Collection method: research. Allele origin: germline.

NM_000038.6(APC):c.1571G>T (p.Gly524Val)

Gene: APC (APC regulator of Wnt signaling pathway; plus strand). Cytogenetic location: 5q22.2.
Variant type: single nucleotide variant.
Coding change: c.1571G>T on transcript NM_000038.6 (MANE Select); coding-DNA position 1571, G replaced by T.
Protein change: p.Gly524Val; replaces glycine 524 with valine.
Molecular consequence: missense variant.
Genome position (GRCh38, 1-based): chr5:112,827,951, G>T. VCF-style: chr5-112827951-G-T. GRCh37 (hg19) VCF-style: chr5-112163648-G-T.
Other names: c.1298G>T, p.Gly433Val (NM_001354902.2); c.1268G>T, p.Gly423Val (NM_001354903.2, NM_001407460.1, NM_001407458.1 and 1 more transcripts); c.1193G>T, p.Gly398Val (NM_001354904.2); c.1091G>T, p.Gly364Val (NM_001354905.2); c.722G>T, p.Gly241Val (NM_001354906.2, NM_001407470.1); c.1655G>T, p.Gly552Val (NM_001407446.1); c.1625G>T, p.Gly542Val (NM_001407447.1, NM_001407448.1, NM_001407449.1 and 1 more transcripts); c.1184G>T, p.Gly395Val (NM_001407467.1, NM_001407469.1); and 12 more; short protein forms G140V, G241V, G364V, G395V, G398V, G423V, G433V, G441V.
Identifiers: ClinVar variation 3779608 (VCV003779608.2).